The following is an entry in ClinVar:

ClinVar aggregate classification (germline): Benign/Likely benign. Review status: criteria provided, multiple submitters, no conflicts (2 of 4 stars). 3 submissions from 3 submitters: Benign (1); Likely benign (2). Last evaluated 2026-02-02.

Conditions:
3M syndrome 2. Also called: 3-M Syndrome, OBSL1-Related; THREE M SYNDROME 2. Identifiers: Orphanet 2616, MedGen C2752041, MONDO:0013039, OMIM 612921.

Allele frequency attached by ClinVar (database versions not stated): gnomAD 0.00024 and 0.00033; TOPMed 0.00069; 1000 Genomes Project 0.00200; 1000 Genomes Project 30x 0.00203.
gnomAD v4.1: 413 of 1,611,368 alleles (0.026%); highest among the groups gnomAD compares: East Asian, 0.86%; 7 homozygotes.

Submissions (3):

Labcorp Genetics (formerly Invitae), Labcorp
Classification: Benign. Last evaluated: 2026-02-02. Review status: criteria provided, single submitter. Criteria: Invitae Variant Classification Sherloc (09022015). Collection method: clinical testing. Allele origin: germline.

Blueprint Genetics
Classification: Likely benign. Last evaluated: 2024-03-09. Review status: criteria provided, single submitter. Criteria: ACMG Guidelines, 2015. Collection method: clinical testing. Allele origin: germline.

Illumina Laboratory Services, Illumina
Classification: Likely benign for 3M syndrome 2. Last evaluated: 2018-01-13. Review status: criteria provided, single submitter. Criteria: ICSL Variant Classification Criteria 13 December 2019. Collection method: clinical testing. Allele origin: germline.
Comment: This variant was observed in the ICSL laboratory as part of a predisposition screen in an ostensibly healthy population. It had not been previously curated by ICSL or reported in the Human Gene Mutation Database (HGMD: prior to June 1st, 2018), and was therefore a candidate for classification through an automated scoring system. Utilizing variant allele frequency, disease prevalence and penetrance estimates, and inheritance mode, an automated score was calculated to assess if this variant is too frequent to cause the disease. Based on the score and internal cut-off values, a variant classified as likely benign is not then subjected to further curation. The score for this variant resulted in a classification of likely benign for this disease.

NM_015311.3(OBSL1):c.729G>A (p.Pro243=)

Gene: OBSL1 (obscurin like cytoskeletal adaptor 1; minus strand). Cytogenetic location: 2q35.
Variant type: single nucleotide variant.
Coding change: c.729G>A on transcript NM_015311.3 (MANE Select); coding-DNA position 729, G replaced by A.
Protein change: p.Pro243=; no amino-acid change (proline 243 retained).
Molecular consequence: synonymous variant.
Genome position (GRCh38, 1-based): chr2:219,570,504, C>T on the plus strand (G>A on the coding strand, the complement: OBSL1 is on the minus strand). VCF-style: chr2-219570504-C-T. GRCh37 (hg19) VCF-style: chr2-220435226-C-T.
Other names: c.729G>A, p.Pro243= (NM_001173408.2, NM_001173431.2).
Identifiers: ClinVar variation 334532 (VCV000334532.14), dbSNP rs200417841, ClinGen allele CA2131748.